The following is an entry in ClinVar:

NM_001009944.3(PKD1):c.8048G>C (p.Cys2683Ser)

Gene: PKD1 (polycystin 1, transient receptor potential channel interacting; minus strand). Cytogenetic location: 16p13.3.
Variant type: single nucleotide variant.
Coding change: c.8048G>C on transcript NM_001009944.3 (MANE Select); coding-DNA position 8048, G replaced by C.
Protein change: p.Cys2683Ser; replaces cysteine 2683 with serine.
Molecular consequence: missense variant.
Genome position (GRCh38, 1-based): chr16:2,104,611, C>G on the plus strand (G>C on the coding strand, the complement: PKD1 is on the minus strand). VCF-style: chr16-2104611-C-G. GRCh37 (hg19) VCF-style: chr16-2154612-C-G.
Other names: c.8048G>C, p.Cys2683Ser (NM_000296.4); short protein forms C2683S.
Identifiers: ClinVar variation 2594548 (VCV002594548.4), dbSNP rs773445757, ClinGen allele CA7830738.

ClinVar aggregate classification (germline): Uncertain significance. Review status: criteria provided, multiple submitters, no conflicts (2 of 4 stars). 2 submissions from 2 submitters: Uncertain significance (2). Last evaluated 2025-05-23.

Conditions:
PKD1-related disorder. Also called: PKD1-related condition.
Inborn genetic diseases. Identifiers: MedGen C0950123, MeSH D030342.

Allele frequency attached by ClinVar (database versions not stated): gnomAD 0.00001; TOPMed 0.00001; ExAC 0.00006.
gnomAD v4.1: 18 of 1,589,208 alleles (0.0011%); highest among the groups gnomAD compares: Non-Finnish European, 0.0014%; no homozygotes.

Submissions (2):

PreventionGenetics, part of Exact Sciences
Classification: Uncertain significance for PKD1-related condition. Last evaluated: 2025-05-23. Review status: criteria provided, single submitter. Criteria: ACMG Guidelines, 2015. Collection method: clinical testing. Allele origin: germline.
Comment: The PKD1 c.8048G>C variant is predicted to result in the amino acid substitution p.Cys2683Ser. To our knowledge, this variant has not been reported in the literature. This variant is reported in 0.0034% of alleles in individuals of European (Non-Finnish) descent in gnomAD. At this time, the clinical significance of this variant is uncertain due to the absence of conclusive functional and genetic evidence.

Ambry Genetics
Classification: Uncertain significance for Inborn genetic diseases. Last evaluated: 2023-08-22. Review status: criteria provided, single submitter. Criteria: Ambry Variant Classification Scheme 2023. Collection method: clinical testing. Allele origin: germline.